The following is an entry in ClinVar:

NM_001348768.2(HECW2):c.4647C>T (p.Tyr1549=)

Gene: HECW2 (HECT, C2 and WW domain containing E3 ubiquitin protein ligase 2; minus strand). Cytogenetic location: 2q32.3.
Variant type: single nucleotide variant.
Coding change: c.4647C>T on transcript NM_001348768.2 (MANE Select); coding-DNA position 4647, C replaced by T.
Protein change: p.Tyr1549=; no amino-acid change (tyrosine 1549 retained).
Molecular consequence: synonymous variant.
Genome position (GRCh38, 1-based): chr2:196,201,349, G>A on the plus strand (C>T on the coding strand, the complement: HECW2 is on the minus strand). VCF-style: chr2-196201349-G-A. GRCh37 (hg19) VCF-style: chr2-197066073-G-A.
Other names: c.3579C>T, p.Tyr1193= (NM_001304840.3); c.4647C>T, p.Tyr1549= (NM_020760.4).
Identifiers: ClinVar variation 2578893 (VCV002578893.25), dbSNP rs1348717385, ClinGen allele CA430735699.

ClinVar aggregate classification (germline): Likely benign (1 of 4 stars; one submission).

Allele frequency attached by ClinVar (database versions not stated): gnomAD exomes 0.00001.
gnomAD v4.1: 9 of 1,613,696 alleles (0.00056%); highest among the groups gnomAD compares: Non-Finnish European, 0.00068%; no homozygotes.

Submission:

CeGaT Center for Human Genetics Tuebingen
Classification: Likely benign. Last evaluated: 2023-07-01. Review status: criteria provided, single submitter. Criteria: CeGaT Center For Human Genetics Tuebingen Variant Classification Criteria Version 2. Collection method: clinical testing. Allele origin: germline. Affected: yes. Observed: 1 variant allele.
Comment: HECW2: BP4, BP7